The following is an entry in ClinVar:

NM_000256.3(MYBPC3):c.2409C>G (p.Ile803Met)

Gene: MYBPC3 (myosin binding protein C3; minus strand). Cytogenetic location: 11p11.2.
Variant type: single nucleotide variant.
Coding change: c.2409C>G on transcript NM_000256.3 (MANE Select); coding-DNA position 2409, C replaced by G.
Protein change: p.Ile803Met; replaces isoleucine 803 with methionine.
Molecular consequence: missense variant.
Genome position (GRCh38, 1-based): chr11:47,337,694, G>C on the plus strand (C>G on the coding strand, the complement: MYBPC3 is on the minus strand). VCF-style: chr11-47337694-G-C. GRCh37 (hg19) VCF-style: chr11-47359245-G-C.
Other names: short protein forms I803M.
Identifiers: ClinVar variation 922485 (VCV000922485.4), dbSNP rs202088839, ClinGen allele CA380318590.

ClinVar aggregate classification (germline): Uncertain significance. Review status: criteria provided, multiple submitters, no conflicts (2 of 4 stars). 2 submissions from 2 submitters: Uncertain significance (2). Last evaluated 2025-02-10.

Conditions:
Cardiomyopathy (CMYO). Also called: Cardiomyopathies. Identifiers: Orphanet 167848, MedGen C0878544, MONDO:0004994, HP:0001638. Inheritance: Various modes of inheritance.
Cardiovascular phenotype. Identifiers: MedGen CN230736.

gnomAD v4.1: 2 of 1,584,764 alleles (0.00013%); highest among the groups gnomAD compares: Non-Finnish European, 0.00017%; no homozygotes.

Submissions (2):

Ambry Genetics
Classification: Uncertain significance for Cardiovascular phenotype. Last evaluated: 2025-02-10. Review status: criteria provided, single submitter. Criteria: Ambry Variant Classification Scheme 2023. Collection method: clinical testing. Allele origin: germline.
Comment: The p.I803M variant (also known as c.2409C>G), located in coding exon 24 of the MYBPC3 gene, results from a C to G substitution at nucleotide position 2409. The isoleucine at codon 803 is replaced by methionine, an amino acid with highly similar properties. This amino acid position is poorly conserved in available vertebrate species. In addition, this alteration is predicted to be tolerated by in silico analysis. Based on the available evidence, the clinical significance of this variant remains unclear.

Color Diagnostics, LLC DBA Color Health
Classification: Uncertain significance for Cardiomyopathy. Last evaluated: 2018-12-03. Review status: criteria provided, single submitter. Criteria: ACMG Guidelines, 2015. Collection method: clinical testing. Allele origin: germline.
Comment: Variant of Uncertain Significance due to insufficient evidence: This missense variant is located in the fibronectin type 3 domain C6 of the MYBPC3 protein. Computational prediction tools and conservation analyses are inconclusive regarding the impact of this variant on the protein function. Computational splicing tools suggest that this variant may not impact RNA splicing. To our knowledge, functional assays have not been performed for this variant nor has this variant been reported in individuals affected with cardiovascular disorders in the literature. This variant is rare in the general population and has been identified in 0/277264 chromosomes by the Genome Aggregation Database (gnomAD). Available evidence is insufficient to determine the pathogenicity of this variant conclusively.